The following is an entry in ClinVar:

NM_032578.4(MYPN):c.3877G>A (p.Asp1293Asn)

Gene: MYPN (myopalladin; plus strand). Cytogenetic location: 10q21.3.
Variant type: single nucleotide variant.
Coding change: c.3877G>A on transcript NM_032578.4 (MANE Select); coding-DNA position 3877, G replaced by A.
Protein change: p.Asp1293Asn; replaces aspartic acid 1293 with asparagine.
Molecular consequence: missense variant. On other transcripts: non-coding transcript variant (2).
Genome position (GRCh38, 1-based): chr10:68,210,369, G>A. VCF-style: chr10-68210369-G-A. GRCh37 (hg19) VCF-style: chr10-69970126-G-A.
Other names: c.3877G>A, p.Asp1293Asn (NM_001256267.2); c.2995G>A, p.Asp999Asn (NM_001256268.2); short protein forms D1293N, D999N.
Identifiers: ClinVar variation 477763 (VCV000477763.7), dbSNP rs1554852297, ClinGen allele CA376830114.

ClinVar aggregate classification (germline): Uncertain significance (1 of 4 stars; one submission).

Conditions:
Dilated cardiomyopathy 1KK (CMD1KK). Identifiers: Orphanet 154, Orphanet 75249, MedGen C3714995, MONDO:0014100, OMIM 615248.

Submission:

Labcorp Genetics (formerly Invitae), Labcorp
Classification: Uncertain significance for Dilated cardiomyopathy 1KK. Last evaluated: 2017-10-30. Review status: criteria provided, single submitter. Criteria: Invitae Variant Classification Sherloc (09022015). Collection method: clinical testing. Allele origin: germline.
Comment: This variant has not been reported in the literature in individuals with a MYPN-related disease. This sequence change replaces aspartic acid with asparagine at codon 1293 of the MYPN protein (p.Asp1293Asn). The aspartic acid residue is moderately conserved and there is a small physicochemical difference between aspartic acid and asparagine. This variant is not present in population databases (ExAC no frequency). Algorithms developed to predict the effect of missense changes on protein structure and function do not agree on the potential impact of this missense change (SIFT: "Tolerated"; PolyPhen-2: "Probably Damaging"; Align-GVGD: "Class C0"). In summary, this variant has uncertain impact on MYPN function. The available evidence is currently insufficient to determine its role in disease. Therefore, it has been classified as a Variant of Uncertain Significance.